The following is an entry in ClinVar:

NM_016628.5(WAC):c.1437+5G>A

Gene: WAC (WW domain containing adaptor with coiled-coil; plus strand). Cytogenetic location: 10p12.1.
Variant type: single nucleotide variant.
Coding change: c.1437+5G>A on transcript NM_016628.5 (MANE Select); 5 bases into the intron after coding-DNA position 1437, G replaced by A.
Molecular consequence: intron variant.
Genome position (GRCh38, 1-based): chr10:28,611,927, G>A. VCF-style: chr10-28611927-G-A. GRCh37 (hg19) VCF-style: chr10-28900856-G-A.
Other names: c.1302+5G>A (NM_100264.3); c.1128+5G>A (NM_100486.4).
Identifiers: ClinVar variation 489254 (VCV000489254.2), dbSNP rs1554791126, ClinGen allele CA658683563.
Genomic context (GRCh38, chr10:28,611,927, plus strand): 5'-ACACAGTCCCTATCAAACCTTTGATCAGTACTCCTCCTGTTTCATCACAGCCAAAGGTAT[G>A]TCACCTTTGAGGGACATTCGGAAAAGAAACTACTTACTTTTGGAAAGTCAATAACATTTT-3'

ClinVar aggregate classification (germline): Uncertain significance (1 of 4 stars; one submission).

Submission:

GeneDx
Classification: Uncertain significance. Last evaluated: 2017-12-14. Review status: criteria provided, single submitter. Criteria: GeneDx Variant Classification (06012015). Collection method: clinical testing. Allele origin: germline. Affected: yes.
Comment: The c.1437+5G>A variant in the WAC gene has not been reported previously as a pathogenic variant nor as a benign variant, to our knowledge. This variant appears to damage the splice donor site in intron 10; however, in the absence of RNA/functional studies, the actual effect of the c.1437+5G>A variant is unknown. The c.1437+5G>A variant is not observed in large population cohorts (Lek et al., 2016). We interpret c.1437+5G>A as a variant of uncertain significance.